The following is an entry in ClinVar:

ClinVar aggregate classification (germline): Uncertain significance (1 of 4 stars; one submission).

Allele frequency attached by ClinVar (database versions not stated): gnomAD exomes below 0.00001; ExAC 0.00001; gnomAD 0.00001.
gnomAD v4.1: 8 of 1,610,954 alleles (0.0005%); highest among the groups gnomAD compares: South Asian, 0.0011%; no homozygotes.

Submission:

Labcorp Genetics (formerly Invitae), Labcorp
Classification: Uncertain significance. Last evaluated: 2022-05-25. Review status: criteria provided, single submitter. Criteria: Invitae Variant Classification Sherloc (09022015). Collection method: clinical testing. Allele origin: germline.
Comment: This sequence change replaces arginine, which is basic and polar, with cysteine, which is neutral and slightly polar, at codon 357 of the COL9A1 protein (p.Arg357Cys). The frequency data for this variant in the population databases is considered unreliable, as metrics indicate poor data quality at this position in the gnomAD database. This variant has not been reported in the literature in individuals affected with COL9A1-related conditions. Advanced modeling of protein sequence and biophysical properties (such as structural, functional, and spatial information, amino acid conservation, physicochemical variation, residue mobility, and thermodynamic stability) performed at Invitae indicates that this missense variant is not expected to disrupt COL9A1 protein function. In summary, the available evidence is currently insufficient to determine the role of this variant in disease. Therefore, it has been classified as a Variant of Uncertain Significance.

NM_001851.6(COL9A1):c.1069C>T (p.Arg357Cys)

Gene: COL9A1 (collagen type IX alpha 1 chain; minus strand). Cytogenetic location: 6q13.
Variant type: single nucleotide variant.
Coding change: c.1069C>T on transcript NM_001851.6 (MANE Select); coding-DNA position 1069, C replaced by T.
Protein change: p.Arg357Cys; replaces arginine 357 with cysteine.
Molecular consequence: missense variant. On other transcripts: non-coding transcript variant (1).
Genome position (GRCh38, 1-based): chr6:70,272,085, G>A on the plus strand (C>T on the coding strand, the complement: COL9A1 is on the minus strand). VCF-style: chr6-70272085-G-A. GRCh37 (hg19) VCF-style: chr6-70981788-G-A.
Other names: c.340C>T, p.Arg114Cys (NM_001377289.1, NM_001377290.1, NM_078485.4); short protein forms R357C, R114C.
Identifiers: ClinVar variation 1910514 (VCV001910514.2), dbSNP rs760563143, ClinGen allele CA3882432.
Genomic context (GRCh38, chr6:70,272,085, plus strand): 5'-TTATAGACTGCATAAAAATAAATGATGAAGTGATACTTACAGGGGGTCCAGGAATACCAC[G>A]GCCCTAAAAGAGTACAATAAAAATGGTTATAGCTTGAGGTTTATACTTAGTATAAATATG-3'
Protein context (NP_001842.3, residues 347-367): GVPGSRGFPG[Arg357Cys]GIPGPPGPPG